The following is an entry in ClinVar:

ClinVar aggregate classification (germline): Uncertain significance. Review status: criteria provided, multiple submitters, no conflicts (2 of 4 stars). 2 submissions from 2 submitters: Uncertain significance (2). Last evaluated 2025-03-18.

Conditions:
Hereditary cancer-predisposing syndrome. Also called: Neoplastic Syndromes, Hereditary; Tumor predisposition; Hereditary Cancer Syndrome; Hereditary neoplastic syndrome. Identifiers: Orphanet 140162, MedGen C0027672, MeSH D009386, MONDO:0015356.

Submissions (2):

Ambry Genetics
Classification: Uncertain significance for Hereditary cancer-predisposing syndrome. Last evaluated: 2025-03-18. Review status: criteria provided, single submitter. Criteria: Ambry Variant Classification Scheme 2023. Collection method: clinical testing. Allele origin: germline.
Comment: The p.K98T variant (also known as c.293A>C), located in coding exon 1 of the HOXB13 gene, results from an A to C substitution at nucleotide position 293. The lysine at codon 98 is replaced by threonine, an amino acid with similar properties. This amino acid position is conserved. In addition, the in silico prediction for this alteration is inconclusive. Since supporting evidence is limited at this time, the clinical significance of this alteration remains unclear.

Quest Diagnostics Nichols Institute San Juan Capistrano
Classification: Uncertain significance. Last evaluated: 2024-12-06. Review status: criteria provided, single submitter. Criteria: Quest Diagnostics criteria. Collection method: clinical testing. Allele origin: unknown.
Comment: The HOXB13 c.293A>C (p.Lys98Thr) variant has not been reported in individuals with HOXB13-related conditions in the published literature. It also has not been reported in large, multi-ethnic general populations (Genome Aggregation Database). Analysis of this variant using bioinformatics tools for the prediction of the effect of amino acid changes on protein structure and function yielded conflicting predictions that this variant is benign or damaging. Based on the available information, we are unable to determine the clinical significance of this variant.

NM_006361.6(HOXB13):c.293A>C (p.Lys98Thr)

Gene: HOXB13 (homeobox B13; minus strand). Cytogenetic location: 17q21.32.
Variant type: single nucleotide variant.
Coding change: c.293A>C on transcript NM_006361.6 (MANE Select); coding-DNA position 293, A replaced by C.
Protein change: p.Lys98Thr; replaces lysine 98 with threonine.
Molecular consequence: missense variant.
Genome position (GRCh38, 1-based): chr17:48,728,301, T>G on the plus strand (A>C on the coding strand, the complement: HOXB13 is on the minus strand). VCF-style: chr17-48728301-T-G. GRCh37 (hg19) VCF-style: chr17-46805663-T-G.
Other names: short protein forms K98T.
Identifiers: ClinVar variation 1797890 (VCV001797890.5), dbSNP rs2143073081, ClinGen allele CA400107754.